The following is an entry in ClinVar:

ClinVar aggregate classification (germline): Pathogenic. Review status: criteria provided, multiple submitters, no conflicts (2 of 4 stars). 2 submissions from 2 submitters: Pathogenic (2). Last evaluated 2025-08-06.

Conditions:
Cardiovascular phenotype. Identifiers: MedGen CN230736.
Hereditary cancer-predisposing syndrome. Also called: Hereditary Cancer Syndrome; Tumor predisposition; Hereditary neoplastic syndrome; Neoplastic Syndromes, Hereditary. Identifiers: Orphanet 140162, MedGen C0027672, MeSH D009386, MONDO:0015356.

Submissions (2):

Ambry Genetics
Classification: Pathogenic for Cardiovascular phenotype; Hereditary cancer-predisposing syndrome. Last evaluated: 2025-08-06. Review status: criteria provided, single submitter. Criteria: Ambry Variant Classification Scheme 2023. Collection method: clinical testing. Allele origin: germline.
Comment: The c.632_633delAG pathogenic mutation, located in coding exon 7 of the LZTR1 gene, results from a deletion of two nucleotides at nucleotide positions 632 to 633, causing a translational frameshift with a predicted alternate stop codon (p.E211Afs*48). This alteration is expected to result in loss of function by premature protein truncation or nonsense-mediated mRNA decay. Loss-of-function variants in LZTR1 are related to an increased risk for schwannomas and autosomal recessive Noonan syndrome; however, such associations with autosomal dominant Noonan syndrome have not been observed (Piotrowski A et al. Nat Genet. 2014 Feb;46:182-7; Yamamoto GL et al. J Med Genet. 2015 Jun;52:413-21; Johnston JJ et al. Genet Med. 2018 10;20:1175-1185). Based on the supporting evidence, this variant is pathogenic for an increased risk of LZTR1-related schwannomatosis (SWN) and would be expected to cause autosomal recessive Noonan syndrome when present along with a second pathogenic or likely pathogenic variant on the other allele; however, the association of this alteration with autosomal dominant Noonan syndrome is unlikely.

Labcorp Genetics (formerly Invitae), Labcorp
Classification: Pathogenic. Last evaluated: 2024-08-28. Review status: criteria provided, single submitter. Criteria: Invitae Variant Classification Sherloc (09022015). Collection method: clinical testing. Allele origin: germline.
Comment: This sequence change creates a premature translational stop signal (p.Glu211Alafs*48) in the LZTR1 gene. It is expected to result in an absent or disrupted protein product. Loss-of-function variants in LZTR1 are known to be pathogenic (PMID: 24362817, 25335493, 25480913, 25795793, 29469822, 30368668, 30442762, 30442766, 30481304, 30859559). This variant is not present in population databases (gnomAD no frequency). This variant has not been reported in the literature in individuals affected with LZTR1-related conditions. Algorithms developed to predict the effect of sequence changes on RNA splicing suggest that this variant may disrupt the consensus splice site. For these reasons, this variant has been classified as Pathogenic.

Literature cited by the submitters: PubMed 24362817 (cited by Labcorp Genetics (formerly Invitae), Labcorp); PubMed 25335493 (cited by Labcorp Genetics (formerly Invitae), Labcorp); PubMed 25480913 (cited by Labcorp Genetics (formerly Invitae), Labcorp); PubMed 25795793 (cited by Labcorp Genetics (formerly Invitae), Labcorp); PubMed 29469822 (cited by Labcorp Genetics (formerly Invitae), Labcorp); PubMed 30368668 (cited by Labcorp Genetics (formerly Invitae), Labcorp); PubMed 30442762 (cited by Labcorp Genetics (formerly Invitae), Labcorp); PubMed 30442766 (cited by Labcorp Genetics (formerly Invitae), Labcorp); PubMed 30481304 (cited by Labcorp Genetics (formerly Invitae), Labcorp); PubMed 30859559 (cited by Labcorp Genetics (formerly Invitae), Labcorp).

NM_006767.4(LZTR1):c.632_633del (p.Glu211fs)

Gene: LZTR1 (leucine zipper like post translational regulator 1; plus strand). Cytogenetic location: 22q11.21.
Variant type: Microsatellite.
Coding change: c.632_633del on transcript NM_006767.4 (MANE Select); coding-DNA positions 632 to 633, 2 bases deleted (AG; older notation c.632_633delAG).
Protein change: p.Glu211fs; shifts the reading frame from glutamic acid 211.
Molecular consequence: frameshift variant.
Genome position (GRCh38, 1-based): chr22:20,989,663-20,989,664, AG deleted; deleting any 2 consecutive bases within chr22:20,989,660-20,989,664 gives the same sequence; the c. name uses the placement nearest the transcript's 3' end. VCF-style (leftmost placement, unchanged base first): chr22-20989659-CGA-C. GRCh37 (hg19) VCF-style: chr22-21343948-CGA-C.
Other names: c.632_633delAG (NM_006767.3); short protein forms E211fs.
Identifiers: ClinVar variation 3663725 (VCV003663725.3).